The following is an entry in ClinVar:

ClinVar aggregate classification (germline): Pathogenic (1 of 4 stars; one submission).

Conditions:
Severe myoclonic epilepsy in infancy (DRVT). Also called: Epileptic encephalopathy, early infantile, 6 (Dravet syndrome); SEVERE MYOCLONIC EPILEPSY OF INFANCY; DEVELOPMENTAL AND EPILEPTIC ENCEPHALOPATHY 6A; Severe Myoclonic Epilepsy in Infancy (SMEI); Dravet syndrome. Identifiers: Orphanet 33069, MedGen C0751122, MONDO:0100135, OMIM 607208.

Submission:

Center for Bioinformatics, Peking University
Classification: Pathogenic for Dravet syndrome. Last evaluated: 2014-12-20. Review status: criteria provided, single submitter. Criteria: Xu et al. (Hum Mutat. 2015). Collection method: research. Allele origin: de novo. Affected: yes. Observed: 2 variant alleles. Study: University Clinical Cooperation “985 Project” PKU-2014-1-1.
Comment: Dravet syndrome (DS) probands were recruited from the outpatient and inpatient child neurology units of Peking University First Hospital from 2005 till present. The study was approved by the Ethics Committee of Peking University First Hospital and the Institutional Review Board at Peking University. Participants or their parents provided written informed consent before enrollment. We collected a total of 267 mutations from 255 families with probands diagnosed with DS in China. All probands fulfilled the clinical diagnostic criteria.

NM_001165963.4(SCN1A):c.2213G>T (p.Trp738Leu)

Gene: SCN1A (sodium voltage-gated channel alpha subunit 1; minus strand). Cytogenetic location: 2q24.3.
Variant type: single nucleotide variant.
Coding change: c.2213G>T on transcript NM_001165963.4 (MANE Select); coding-DNA position 2213, G replaced by T.
Protein change: p.Trp738Leu; replaces tryptophan 738 with leucine.
Molecular consequence: missense variant. On other transcripts: 5 prime UTR variant (1), non-coding transcript variant (1).
Genome position (GRCh38, 1-based): chr2:166,041,433, C>A on the plus strand (G>T on the coding strand, the complement: SCN1A is on the minus strand). VCF-style: chr2-166041433-C-A. GRCh37 (hg19) VCF-style: chr2-166897943-C-A.
Other names: c.2129G>T, p.Trp710Leu (NM_001165964.3, NM_001353957.2, NM_001353958.2); c.2213G>T, p.Trp738Leu (NM_001202435.3, NM_001353948.2); c.2180G>T, p.Trp727Leu (NM_001353949.2, NM_001353950.2, NM_001353951.2 and 2 more transcripts); c.2177G>T, p.Trp726Leu (NM_001353954.2, NM_001353955.2); c.2126G>T, p.Trp709Leu (NM_001353960.2); c.-246G>T (NM_001353961.2); short protein forms W727L, W738L, W726L, W709L, W710L.
Identifiers: ClinVar variation 189900 (VCV000189900.1), dbSNP rs794726742, ClinGen allele CA303250.
Genomic context (GRCh38, chr2:166,041,433, plus strand): 5'-TTCACTTTTAACCAATATGGAGAACAGTCCCAGATTAAGAATATGTTGGAAAATTTATAC[C>A]AACAGGGTGGGCATTTCTGCCTGGATTCTTCAAGTTCTAGATTAAGAAAAAAAAAAAAAA-3'
Protein context (NP_001159435.1, residues 728-748): EESRQKCPPC[Trp738Leu]YKFSNIFLIW